The following is an entry in ClinVar:

NM_015057.5(MYCBP2):c.10923T>G (p.Ile3641Met)

Genes: MYCBP2 (MYC binding protein 2; minus strand), MYCBP2-AS1 (MYCBP2 antisense RNA 1; plus strand). Cytogenetic location: 13q22.3.
Variant type: single nucleotide variant.
Coding change: c.10923T>G on transcript NM_015057.5 (MANE Select); coding-DNA position 10923, T replaced by G.
Protein change: p.Ile3641Met; replaces isoleucine 3641 with methionine.
Molecular consequence: missense variant.
Genome position (GRCh38, 1-based): chr13:77,083,145, A>C on the plus strand (T>G on the coding strand, the complement: MYCBP2 is on the minus strand). VCF-style: chr13-77083145-A-C. GRCh37 (hg19) VCF-style: chr13-77657280-A-C.
Other names: short protein forms I3641M.
Identifiers: ClinVar variation 2501823 (VCV002501823.1), dbSNP rs2503057776, ClinGen allele CA388384749.
Genomic context (GRCh38, chr13:77,083,145, plus strand): 5'-TGAGATGGTCTGCAGCAAGCGGTGAAAGGTGTGTGGTAAAGGATGAGCAGCTTCCCCGGC[A>C]ATCACTATGTCTGAGAGTGGATGTTCACATACTCTTGTATCTTTCTCCTAAGGCAGAAAT-3'
Protein context (NP_055872.4, residues 3631-3651): VCEHPLSDIV[Ile3641Met]AGEAAHPLPH

ClinVar aggregate classification (germline): Uncertain significance (1 of 4 stars; one submission).

Submission:

GeneDx
Classification: Uncertain significance. Last evaluated: 2022-11-10. Review status: criteria provided, single submitter. Criteria: GeneDx Variant Classification Process June 2021. Collection method: clinical testing. Allele origin: germline. Affected: yes.
Comment: Not observed at significant frequency in large population cohorts (gnomAD); In silico analysis supports that this missense variant does not alter protein structure/function; Has not been previously published as pathogenic or benign to our knowledge